The following is an entry in ClinVar:

NM_006343.3(MERTK):c.1907G>C (p.Ser636Thr)

Gene: MERTK (MER proto-oncogene, tyrosine kinase; plus strand). Cytogenetic location: 2q13.
Variant type: single nucleotide variant.
Coding change: c.1907G>C on transcript NM_006343.3 (MANE Select); coding-DNA position 1907, G replaced by C.
Protein change: p.Ser636Thr; replaces serine 636 with threonine.
Molecular consequence: missense variant.
Genome position (GRCh38, 1-based): chr2:112,008,422, G>C. VCF-style: chr2-112008422-G-C. GRCh37 (hg19) VCF-style: chr2-112765999-G-C.
Other names: c.1907G>C (NM_006343.2); short protein forms S636T.
Identifiers: ClinVar variation 2088581 (VCV002088581.5), dbSNP rs768404989, ClinGen allele CA1831588.
Genomic context (GRCh38, chr2:112,008,422, plus strand): 5'-CTTTTCTATTTTCTCCTCTAGTGGACAACTCTTCACAGCGGGAGATCGAGGAGTTTCTCA[G>C]TGAGGCAGCGTGCATGAAAGACTTCAGCCACCCAAATGTCATTCGACTTCTAGGTACTTC-3'
Protein context (NP_006334.2, residues 626-646): SSQREIEEFL[Ser636Thr]EAACMKDFSH

ClinVar aggregate classification (germline): Uncertain significance. Review status: criteria provided, multiple submitters, no conflicts (2 of 4 stars). 2 submissions from 2 submitters: Uncertain significance (2). Last evaluated 2025-12-04.

Conditions:
Inborn genetic diseases. Identifiers: MedGen C0950123, MeSH D030342.

Allele frequency attached by ClinVar (database versions not stated): gnomAD exomes below 0.00001; TOPMed below 0.00001; ExAC 0.00001.
gnomAD v4.1: 1 of 1,614,146 alleles (0.000062%); highest among the groups gnomAD compares: Non-Finnish European, 0.000085%; no homozygotes.

Submissions (2):

Ambry Genetics
Classification: Uncertain significance for Inborn genetic diseases. Last evaluated: 2025-12-04. Review status: criteria provided, single submitter. Criteria: Ambry Variant Classification Scheme 2023. Collection method: clinical testing. Allele origin: germline.

Labcorp Genetics (formerly Invitae), Labcorp
Classification: Uncertain significance. Last evaluated: 2024-11-11. Review status: criteria provided, single submitter. Criteria: Invitae Variant Classification Sherloc (09022015). Collection method: clinical testing. Allele origin: germline.
Comment: This sequence change replaces serine, which is neutral and polar, with threonine, which is neutral and polar, at codon 636 of the MERTK protein (p.Ser636Thr). This variant is present in population databases (rs768404989, gnomAD 0.0009%). This variant has not been reported in the literature in individuals affected with MERTK-related conditions. ClinVar contains an entry for this variant (Variation ID: 2088581). Invitae Evidence Modeling of protein sequence and biophysical properties (such as structural, functional, and spatial information, amino acid conservation, physicochemical variation, residue mobility, and thermodynamic stability) indicates that this missense variant is not expected to disrupt MERTK protein function with a negative predictive value of 80%. In summary, the available evidence is currently insufficient to determine the role of this variant in disease. Therefore, it has been classified as a Variant of Uncertain Significance.